The following is an entry in ClinVar:

ClinVar aggregate classification (germline): Benign. Review status: criteria provided, multiple submitters, no conflicts (2 of 4 stars). 2 submissions from 2 submitters: Benign (2). Last evaluated 2018-06-14.

Allele frequency attached by ClinVar (database versions not stated): gnomAD exomes 0.00375; gnomAD 0.03633 and 0.03905; 1000 Genomes Project 0.03894; 1000 Genomes Project 30x 0.04185; TOPMed 0.04246.
gnomAD v4.1: 11,231 of 1,611,164 alleles (0.7%); highest among the groups gnomAD compares: African/African-American, 13%; 690 homozygotes.

Submissions (2):

GeneDx
Classification: Benign. Last evaluated: 2018-06-14. Review status: criteria provided, single submitter. Criteria: GeneDx Variant Classification (06012015). Collection method: clinical testing. Allele origin: germline. Affected: yes.
Comment: This variant is considered likely benign or benign based on one or more of the following criteria: it is a conservative change, it occurs at a poorly conserved position in the protein, it is predicted to be benign by multiple in silico algorithms, and/or has population frequency not consistent with disease.

Breakthrough Genomics
Classification: Benign. Review status: criteria provided, single submitter. Criteria: ACMG Guidelines, 2015. Collection method: not provided. Allele origin: germline. Inheritance: Autosomal recessive inheritance. Affected: yes.

NM_001267550.2(TTN):c.4208+56A>G

Genes: TTN (titin; minus strand), LOC101927055 (uncharacterized LOC101927055; plus strand). Cytogenetic location: 2q31.2.
Variant type: single nucleotide variant.
Coding change: c.4208+56A>G on transcript NM_001267550.2 (MANE Select); 56 bases into the intron after coding-DNA position 4208, A replaced by G.
Molecular consequence: intron variant.
Genome position (GRCh38, 1-based): chr2:178,778,818, T>C on the plus strand (A>G on the coding strand, the complement: TTN is on the minus strand). VCF-style: chr2-178778818-T-C. GRCh37 (hg19) VCF-style: chr2-179643545-T-C.
Other names: c.4208+56A>G (NM_001256850.1, NM_133378.4, NM_133379.5); c.4070+56A>G (NM_003319.4, NM_133437.4, NM_133432.3).
Identifiers: ClinVar variation 671480 (VCV000671480.2), dbSNP rs56180285, ClinGen allele CA60978890.